The following is an entry in ClinVar:

NM_004364.5(CEBPA):c.1045T>A (p.Ser349Thr)

Gene: CEBPA (CCAAT enhancer binding protein alpha; minus strand). Cytogenetic location: 19q13.11.
Variant type: single nucleotide variant.
Coding change: c.1045T>A on transcript NM_004364.5 (MANE Select); coding-DNA position 1045, T replaced by A.
Protein change: p.Ser349Thr; replaces serine 349 with threonine.
Molecular consequence: missense variant.
Genome position (GRCh38, 1-based): chr19:33,301,370, A>T on the plus strand (T>A on the coding strand, the complement: CEBPA is on the minus strand). VCF-style: chr19-33301370-A-T. GRCh37 (hg19) VCF-style: chr19-33792276-A-T.
Other names: c.688T>A, p.Ser230Thr (NM_001285829.2); c.1150T>A, p.Ser384Thr (NM_001287424.2); c.1003T>A, p.Ser335Thr (NM_001287435.2); short protein forms S230T, S335T, S349T, S384T.
Identifiers: ClinVar variation 1993279 (VCV001993279.4), dbSNP rs1060502117, ClinGen allele CA405273657.

ClinVar aggregate classification (germline): Uncertain significance (1 of 4 stars; one submission).

Conditions:
Acute myeloid leukemia (AML). Also called: Acute myeloid leukemia, adult; AML adult; Acute non-lymphocytic leukemia; Acute granulocytic leukemia; Leukemia, acute myeloid, somatic; Leukemia, acute myelogenous, somatic. Identifiers: Orphanet 519, MedGen C0023467, MeSH D015470, MONDO:0018874, OMIM 601626, HP:0004808. Disease mechanism: Constitutively activated FLT3.

Submission:

Labcorp Genetics (formerly Invitae), Labcorp
Classification: Uncertain significance for Acute myeloid leukemia. Last evaluated: 2022-05-12. Review status: criteria provided, single submitter. Criteria: Invitae Variant Classification Sherloc (09022015). Collection method: clinical testing. Allele origin: germline.
Comment: In summary, the available evidence is currently insufficient to determine the role of this variant in disease. Therefore, it has been classified as a Variant of Uncertain Significance. Algorithms developed to predict the effect of missense changes on protein structure and function are either unavailable or do not agree on the potential impact of this missense change (SIFT: "Tolerated"; PolyPhen-2: "Probably Damaging"; Align-GVGD: "Class C0"). This variant has not been reported in the literature in individuals affected with CEBPA-related conditions. This variant is not present in population databases (gnomAD no frequency). This sequence change replaces serine, which is neutral and polar, with threonine, which is neutral and polar, at codon 349 of the CEBPA protein (p.Ser349Thr).